The following is an entry in ClinVar:

ClinVar aggregate classification (germline): Uncertain significance. Review status: criteria provided, multiple submitters, no conflicts (2 of 4 stars). 2 submissions from 2 submitters: Uncertain significance (2). Last evaluated 2022-11-22.

Allele frequency attached by ClinVar (database versions not stated): gnomAD exomes 0.00001; ExAC 0.00002.

Submissions (2):

Ambry Genetics
Classification: Uncertain significance. Last evaluated: 2022-11-22. Review status: criteria provided, single submitter. Criteria: Ambry Variant Classification Scheme 2023. Collection method: clinical testing. Allele origin: germline.

Labcorp Genetics (formerly Invitae), Labcorp
Classification: Uncertain significance. Last evaluated: 2022-08-03. Review status: criteria provided, single submitter. Criteria: Invitae Variant Classification Sherloc (09022015). Collection method: clinical testing. Allele origin: germline.
Comment: Algorithms developed to predict the effect of missense changes on protein structure and function are either unavailable or do not agree on the potential impact of this missense change (SIFT: "Deleterious"; PolyPhen-2: "Possibly Damaging"; Align-GVGD: "Class C0"). This variant has not been reported in the literature in individuals affected with ARNT2-related conditions. This variant is present in population databases (rs781309936, gnomAD 0.007%). This sequence change replaces threonine, which is neutral and polar, with methionine, which is neutral and non-polar, at codon 21 of the ARNT2 protein (p.Thr21Met). In summary, the available evidence is currently insufficient to determine the role of this variant in disease. Therefore, it has been classified as a Variant of Uncertain Significance.

NM_014862.4(ARNT2):c.62C>T (p.Thr21Met)

Gene: ARNT2 (aryl hydrocarbon receptor nuclear translocator 2; plus strand). Cytogenetic location: 15q25.1.
Variant type: single nucleotide variant.
Coding change: c.62C>T on transcript NM_014862.4 (MANE Select); coding-DNA position 62, C replaced by T.
Protein change: p.Thr21Met; replaces threonine 21 with methionine.
Molecular consequence: missense variant.
Genome position (GRCh38, 1-based): chr15:80,450,910, C>T. VCF-style: chr15-80450910-C-T. GRCh37 (hg19) VCF-style: chr15-80743251-C-T.
Other names: short protein forms T21M.
Identifiers: ClinVar variation 1971148 (VCV001971148.6), dbSNP rs781309936, ClinGen allele CA7691597.